The following is an entry in ClinVar:

NM_000891.3(KCNJ2):c.1051C>T (p.Pro351Ser)

Gene: KCNJ2 (potassium inwardly rectifying channel subfamily J member 2; plus strand). Cytogenetic location: 17q24.3.
Variant type: single nucleotide variant.
Coding change: c.1051C>T on transcript NM_000891.3 (MANE Select); coding-DNA position 1051, C replaced by T.
Protein change: p.Pro351Ser; replaces proline 351 with serine.
Molecular consequence: missense variant.
Genome position (GRCh38, 1-based): chr17:70,176,090, C>T. VCF-style: chr17-70176090-C-T. GRCh37 (hg19) VCF-style: chr17-68172231-C-T.
Other names: c.1051C>T (LRG_328t1); short protein forms P351S.
Identifiers: ClinVar variation 67558 (VCV000067558.2), dbSNP rs199473659, ClinGen allele CA329633.
Genomic context (GRCh38, chr17:70,176,090, plus strand): 5'-TTTGAAGAGAAGCACTACTACAAAGTGGACTATTCCAGGTTCCACAAAACTTACGAAGTC[C>T]CCAACACTCCCCTTTGTAGTGCCAGAGACTTAGCAGAAAAGAAATATATCCTCTCAAATG-3'
Protein context (NP_000882.1, residues 341-361): YSRFHKTYEV[Pro351Ser]NTPLCSARDL

ClinVar aggregate classification (germline): Uncertain significance. Review status: criteria provided, single submitter (1 of 4 stars). 2 submissions from 2 submitters: Uncertain significance (1). 1 of the submissions does not count toward it. Last evaluated 2025-03-09.

Conditions:
Familial long QT syndrome (RWS). Also called: Congenital long QT syndrome; Romano-Ward syndrome; VENTRICULAR FIBRILLATION WITH PROLONGED QT INTERVAL. Identifiers: Orphanet 768, MedGen C1141890, MONDO:0019171.
Andersen Tawil syndrome (LQT7). Also called: ANDERSEN CARDIODYSRHYTHMIC PERIODIC PARALYSIS; Andersen Syndrome; Potassium-sensitive periodic paralysis, ventricular ectopy, and dysmorphic features; LONG QT SYNDROME 7; PERIODIC PARALYSIS, POTASSIUM-SENSITIVE CARDIODYSRHYTHMIC TYPE. Identifiers: Orphanet 37553, MedGen C1563715, MONDO:0008222, OMIM 170390.
Short QT syndrome type 3. Identifiers: Orphanet 51083, MedGen C1865018, MONDO:0012314, OMIM 609622.

Allele frequency attached by ClinVar (database versions not stated): gnomAD exomes 0.00001.
gnomAD v4.1: 10 of 1,614,008 alleles (0.00062%); highest among the groups gnomAD compares: East Asian, 0.022%; no homozygotes.

Submissions (2):

Labcorp Genetics (formerly Invitae), Labcorp
Classification: Uncertain significance for Short QT syndrome type 3; Andersen Tawil syndrome. Last evaluated: 2025-03-09. Review status: criteria provided, single submitter. Criteria: Invitae Variant Classification Sherloc (09022015). Collection method: clinical testing. Allele origin: germline.
Comment: This sequence change replaces proline, which is neutral and non-polar, with serine, which is neutral and polar, at codon 351 of the KCNJ2 protein (p.Pro351Ser). This variant is not present in population databases (gnomAD no frequency). This missense change has been observed in individual(s) with Andersen-Tawil syndrome (PMID: 17221872). ClinVar contains an entry for this variant (Variation ID: 67558). Invitae Evidence Modeling of protein sequence and biophysical properties (such as structural, functional, and spatial information, amino acid conservation, physicochemical variation, residue mobility, and thermodynamic stability) has been performed for this missense variant. However, the output from this modeling did not meet the statistical confidence thresholds required to predict the impact of this variant on KCNJ2 protein function. Experimental studies have shown that this missense change affects KCNJ2 function (PMID: 17221872). In summary, the available evidence is currently insufficient to determine the role of this variant in disease. Therefore, it has been classified as a Variant of Uncertain Significance.

Cardiovascular Biomedical Research Unit, Royal Brompton & Harefield NHS Foundation Trust
No classification provided. Condition: Familial long QT syndrome. Review status: no classification provided. Collection method: literature only. Allele origin: germline. Not counted in ClinVar's aggregate classification.
Comment: This variant has been reported as associated with Long QT syndrome in the following publications (PMID:17221872). This is a literature report, and does not necessarily reflect the clinical interpretation of the Imperial College / Royal Brompton Cardiovascular Genetics laboratory.

Literature cited by the submitters: PubMed 17221872 (cited by Labcorp Genetics (formerly Invitae), Labcorp and Cardiovascular Biomedical Research Unit, Royal Brompton & Harefield NHS Foundation Trust); PubMed 22581653 (cited by Cardiovascular Biomedical Research Unit, Royal Brompton & Harefield NHS Foundation Trust).